The following is an entry in ClinVar:

ClinVar aggregate classification (germline): Likely benign. Review status: criteria provided, multiple submitters, no conflicts (2 of 4 stars). 2 submissions from 2 submitters: Likely benign (2). Last evaluated 2026-06-01.

gnomAD v4.1: 381 of 1,359,750 alleles (0.028%); highest among the groups gnomAD compares: Middle Eastern, 0.14%; 2 homozygotes.

Submissions (2):

CeGaT Center for Human Genetics Tuebingen
Classification: Likely benign. Last evaluated: 2026-06-01. Review status: criteria provided, single submitter. Criteria: CeGaT Center For Human Genetics Tuebingen Variant Classification Criteria Version 2. Collection method: clinical testing. Allele origin: germline. Affected: yes. Observed: 1 variant allele.
Comment: NBEA: BP4, BS1

Blueprint Genetics
Classification: Likely benign. Last evaluated: 2024-11-07. Review status: criteria provided, single submitter. Criteria: ACMG Guidelines, 2015. Collection method: clinical testing. Allele origin: germline.

NM_001385012.1(NBEA):c.-3C>G

Gene: NBEA (neurobeachin; plus strand). Cytogenetic location: 13q13.3.
Variant type: single nucleotide variant.
Coding change: c.-3C>G on transcript NM_001385012.1 (MANE Select); 3 bases upstream of the start codon, C replaced by G.
Molecular consequence: 5 prime UTR variant.
Genome position (GRCh38, 1-based): chr13:34,942,818, C>G. VCF-style: chr13-34942818-C-G. GRCh37 (hg19) VCF-style: chr13-35516955-C-G.
Other names: c.-3C>G (NM_001379245.1, NM_015678.5).
Identifiers: ClinVar variation 4872650 (VCV004872650.3).